The following is an entry in ClinVar:

ClinVar aggregate classification (germline): Uncertain significance (1 of 4 stars; one submission).

Conditions:
Hyperkalemic periodic paralysis. Also called: Familial hyperkalemic periodic paralysis; Gamstorp disease. Identifiers: Orphanet 682, MedGen C0238357, MONDO:0008224, OMIM 170500, HP:0007215.

Allele frequency attached by ClinVar (database versions not stated): ExAC 0.00006.
gnomAD v4.1: 15 of 1,613,426 alleles (0.00093%); highest among the groups gnomAD compares: Non-Finnish European, 0.0012%; no homozygotes.

Submission:

Labcorp Genetics (formerly Invitae), Labcorp
Classification: Uncertain significance for Hyperkalemic periodic paralysis. Last evaluated: 2025-07-31. Review status: criteria provided, single submitter. Criteria: Invitae Variant Classification Sherloc (09022015). Collection method: clinical testing. Allele origin: germline.
Comment: This sequence change replaces alanine, which is neutral and non-polar, with valine, which is neutral and non-polar, at codon 32 of the SCN4A protein (p.Ala32Val). This variant is present in population databases (rs765525226, gnomAD 0.005%). This variant has not been reported in the literature in individuals affected with SCN4A-related conditions. ClinVar contains an entry for this variant (Variation ID: 2875742). Invitae Evidence Modeling of protein sequence and biophysical properties (such as structural, functional, and spatial information, amino acid conservation, physicochemical variation, residue mobility, and thermodynamic stability) indicates that this missense variant is not expected to disrupt SCN4A protein function with a negative predictive value of 95%. In summary, the available evidence is currently insufficient to determine the role of this variant in disease. Therefore, it has been classified as a Variant of Uncertain Significance.

NM_000334.4(SCN4A):c.95C>T (p.Ala32Val)

Gene: SCN4A (sodium voltage-gated channel alpha subunit 4; minus strand). Cytogenetic location: 17q23.3.
Variant type: single nucleotide variant.
Coding change: c.95C>T on transcript NM_000334.4 (MANE Select); coding-DNA position 95, C replaced by T.
Protein change: p.Ala32Val; replaces alanine 32 with valine.
Molecular consequence: missense variant.
Genome position (GRCh38, 1-based): chr17:63,972,747, G>A on the plus strand (C>T on the coding strand, the complement: SCN4A is on the minus strand). VCF-style: chr17-63972747-G-A. GRCh37 (hg19) VCF-style: chr17-62050107-G-A.
Other names: short protein forms A32V.
Identifiers: ClinVar variation 2875742 (VCV002875742.3), dbSNP rs765525226, ClinGen allele CA8710286.